The following is an entry in ClinVar:

ClinVar aggregate classification (germline): Uncertain significance. Review status: criteria provided, multiple submitters, no conflicts (2 of 4 stars). 4 submissions from 4 submitters: Uncertain significance (4). Last evaluated 2026-03-27.

Conditions:
Myopathy, myofibrillar, 9, with early respiratory failure (MFM9). Also called: Myopathy, distal, with early respiratory failure, autosomal dominant; Hereditary myopathy with early respiratory failure; EDSTROM MYOPATHY; MYOPATHY, PROXIMAL, WITH EARLY RESPIRATORY MUSCLE INVOLVEMENT. Identifiers: Orphanet 178464, Orphanet 34521, MedGen C1863599, MONDO:0011362, OMIM 603689.
Dilated cardiomyopathy 1G (CMD1G). Identifiers: Orphanet 154, MedGen C1858763, MONDO:0011400, OMIM 604145.
Early-onset myopathy with fatal cardiomyopathy (CMYO5). Also called: CONGENITAL MYOPATHY 5 WITH CARDIOMYOPATHY; Salih Myopathy. Identifiers: Orphanet 289377, MedGen C2673677, MONDO:0012714, OMIM 611705. Disease mechanism: loss of function.
Hypertrophic cardiomyopathy 9. Also called: Familial hypertrophic cardiomyopathy 9. Identifiers: MedGen C1861065, MONDO:0013412, OMIM 613765.
Autosomal recessive limb-girdle muscular dystrophy type 2J (LGMDR10). Also called: MUSCULAR DYSTROPHY, LIMB-GIRDLE, AUTOSOMAL RECESSIVE 10; Limb-girdle muscular dystrophy, type 2J. Identifiers: Orphanet 140922, MedGen C1837342, MONDO:0012127, OMIM 608807.
Tibial muscular dystrophy (TMD). Also called: Tibial muscular dystrophy, tardive; Udd Distal Myopathy – Tibial Muscular Dystrophy; UDD MYOPATHY. Identifiers: Orphanet 609, MedGen C1838244, MONDO:0010870, OMIM 600334.
TTN-related disorder. Also called: TTN-related condition; TTN-related disease; TTN-related disorders.

Allele frequency attached by ClinVar (database versions not stated): gnomAD 0.00001 and 0.00003; ExAC 0.00002; gnomAD exomes 0.00003; TOPMed 0.00006; 1000 Genomes Project 0.00020; 1000 Genomes Project 30x 0.00031.
gnomAD v4.1: 34 of 1,613,578 alleles (0.0021%); highest among the groups gnomAD compares: Middle Eastern, 0.017%; no homozygotes.

Submissions (4):

PreventionGenetics, part of Exact Sciences
Classification: Uncertain significance for TTN-related condition. Last evaluated: 2026-03-27. Review status: criteria provided, single submitter. Criteria: ACMG Guidelines, 2015. Collection method: clinical testing. Allele origin: germline.
Comment: The TTN c.29519G>A variant is predicted to result in the amino acid substitution p.Arg9840His. To our knowledge, this variant has not been reported in the literature. This variant is reported in 0.015% of alleles in individuals of Latino descent in gnomAD. At this time, the clinical significance of this variant is uncertain due to the absence of conclusive functional and genetic evidence.

Revvity Omics, Revvity
Classification: Uncertain significance. Last evaluated: 2024-11-11. Review status: criteria provided, single submitter. Criteria: ACMG Guidelines, 2015. Collection method: clinical testing. Allele origin: germline.

Fulgent Genetics
Classification: Uncertain significance for Tibial muscular dystrophy; Myopathy, myofibrillar, 9, with early respiratory failure; Dilated cardiomyopathy 1G; Autosomal recessive limb-girdle muscular dystrophy type 2J; Early-onset myopathy with fatal cardiomyopathy; Hypertrophic cardiomyopathy 9. Last evaluated: 2021-08-20. Review status: criteria provided, single submitter. Criteria: ACMG Guidelines, 2015. Collection method: clinical testing. Allele origin: unknown.

Eurofins Ntd Llc (ga)
Classification: Uncertain significance. Last evaluated: 2018-06-21. Review status: criteria provided, single submitter. Criteria: EGL ClinVar v180209 classification definitions. Collection method: clinical testing. Allele origin: germline. Observed: 1 variant allele, 1 heterozygote.

NM_001267550.2(TTN):c.29519G>A (p.Arg9840His)

Gene: TTN (titin; minus strand). Cytogenetic location: 2q31.2.
Variant type: single nucleotide variant.
Coding change: c.29519G>A on transcript NM_001267550.2 (MANE Select); coding-DNA position 29519, G replaced by A.
Protein change: p.Arg9840His; replaces arginine 9840 with histidine.
Molecular consequence: missense variant. On other transcripts: intron variant (3).
Genome position (GRCh38, 1-based): chr2:178,705,259, C>T on the plus strand (G>A on the coding strand, the complement: TTN is on the minus strand). VCF-style: chr2-178705259-C-T. GRCh37 (hg19) VCF-style: chr2-179569986-C-T.
Other names: c.28568G>A, p.Arg9523His (NM_001256850.1); c.25787G>A, p.Arg8596His (NM_133378.4); c.13282+32823G>A (NM_003319.4); c.13858+32823G>A (NM_133437.4); c.13657+32823G>A (NM_133432.3); short protein forms R8596H, R9840H, R9523H.
Identifiers: ClinVar variation 597657 (VCV000597657.10), dbSNP rs558220856, ClinGen allele CA1999364.